The following is an entry in ClinVar:

ClinVar aggregate classification (germline): Conflicting classifications of pathogenicity. Review status: criteria provided, conflicting classifications (1 of 4 stars). 10 submissions from 10 submitters: Uncertain significance (8); Likely benign (2). Last evaluated 2026-02-09.

Conditions:
Cardiovascular phenotype. Identifiers: MedGen CN230736.
Arrhythmogenic right ventricular dysplasia 10. Also called: Arrhythmogenic Right Ventricular Dysplasia/Cardiomyopathy10; Arrhythmogenic right ventricular dysplasia/cardiomyopathy, type 10; ARRHYTHMOGENIC RIGHT VENTRICULAR DYSPLASIA, FAMILIAL, 10. Identifiers: MedGen C1857777, MONDO:0012434, OMIM 610193.
Dilated cardiomyopathy 1BB (CMD1BB). Also called: CARDIOMYOPATHY, DILATED, 1BB, SUSCEPTIBILITY TO. Identifiers: Orphanet 154, MedGen C2752072, MONDO:0013030, OMIM 612877.
Cardiomyopathy (CMYO). Also called: Cardiomyopathies. Identifiers: Orphanet 167848, MedGen C0878544, MONDO:0004994, HP:0001638. Inheritance: Various modes of inheritance.

Allele frequency attached by ClinVar (database versions not stated): gnomAD exomes 0.00001 and 0.00002; ExAC 0.00002; gnomAD 0.00008 and 0.00011; TOPMed 0.00011.
gnomAD v4.1: 24 of 1,614,008 alleles (0.0015%); highest among the groups gnomAD compares: African/African-American, 0.028%; no homozygotes.

Submissions (10):

Women's Health and Genetics/Laboratory Corporation of America, LabCorp
Classification: Uncertain significance. Last evaluated: 2026-02-09. Review status: criteria provided, single submitter. Criteria: LabCorp Variant Classification Summary - May 2015. Collection method: clinical testing. Allele origin: germline.
Comment: Variant summary: DSG2 c.2506C>G (p.Leu836Val) results in a conservative amino acid change in the encoded protein sequence. Algorithms developed to predict the effect of missense changes on protein structure and function are either unavailable or do not agree on the potential impact of this missense change. The variant allele was found at a frequency of 2e-05 in 249172 control chromosomes. The available data on variant occurrences in the general population are insufficient to allow any conclusion about variant significance. c.2506C>G has been observed in an individual with non-ischemic cardiomyopathy with ventricular tachycardia and in an individual with arrhythmogenic cardiomyopathy, without strong evidence of causality (example: Seidelmann_2017, Weizman_2024). These reports do not provide unequivocal conclusions about association of the variant with Arrhythmogenic Right Ventricular Dysplasia/Cardiomyopathy. To our knowledge, no experimental evidence demonstrating an impact on protein function has been reported. The following publications have been ascertained in the context of this evaluation (PMID: 28087566, 38670870). ClinVar contains an entry for this variant (Variation ID: 581285). Based on the evidence outlined above, the variant was classified as uncertain significance.

Labcorp Genetics (formerly Invitae), Labcorp
Classification: Uncertain significance for Arrhythmogenic right ventricular dysplasia 10. Last evaluated: 2025-10-06. Review status: criteria provided, single submitter. Criteria: Invitae Variant Classification Sherloc (09022015). Collection method: clinical testing. Allele origin: germline.
Comment: This sequence change replaces leucine, which is neutral and non-polar, with valine, which is neutral and non-polar, at codon 836 of the DSG2 protein (p.Leu836Val). This variant is present in population databases (rs767979763, gnomAD 0.03%). This variant has not been reported in the literature in individuals affected with DSG2-related conditions. ClinVar contains an entry for this variant (Variation ID: 581285). Invitae Evidence Modeling of protein sequence and biophysical properties (such as structural, functional, and spatial information, amino acid conservation, physicochemical variation, residue mobility, and thermodynamic stability) has been performed for this missense variant. However, the output from this modeling did not meet the statistical confidence thresholds required to predict the impact of this variant on DSG2 protein function. In summary, the available evidence is currently insufficient to determine the role of this variant in disease. Therefore, it has been classified as a Variant of Uncertain Significance.

Molecular Diagnostic Laboratory for Inherited Cardiovascular Disease, Montreal Heart Institute
Classification: Uncertain significance for Cardiovascular phenotype. Last evaluated: 2025-04-09. Review status: criteria provided, single submitter. Criteria: ACMG Guidelines, 2015. Collection method: clinical testing. Allele origin: germline. Affected: yes.

Blueprint Genetics
Classification: Uncertain significance. Last evaluated: 2024-09-09. Review status: criteria provided, single submitter. Criteria: ACMG Guidelines, 2015. Collection method: clinical testing. Allele origin: germline.

Color Diagnostics, LLC DBA Color Health
Classification: Likely benign for Cardiomyopathy. Last evaluated: 2024-05-23. Review status: criteria provided, single submitter. Criteria: ACMG Guidelines, 2015. Collection method: clinical testing. Allele origin: germline.

Mayo Clinic Laboratories, Mayo Clinic
Classification: Uncertain significance. Last evaluated: 2023-02-24. Review status: criteria provided, single submitter. Criteria: ACMG Guidelines, 2015. Collection method: clinical testing. Allele origin: germline. Observed: 1 variant allele.

Ambry Genetics
Classification: Likely benign for Cardiovascular phenotype. Last evaluated: 2022-12-30. Review status: criteria provided, single submitter. Criteria: Ambry Variant Classification Scheme 2023. Collection method: clinical testing. Allele origin: germline.

GeneDx
Classification: Uncertain significance. Last evaluated: 2022-08-09. Review status: criteria provided, single submitter. Criteria: GeneDx Variant Classification Process June 2021. Collection method: clinical testing. Allele origin: germline. Affected: yes.
Comment: Reported in one adult patient with non-specific cardiomyopathy and ventricular tachycardia (Seidelmann et al., 2017); In silico analysis supports that this missense variant has a deleterious effect on protein structure/function; This variant is associated with the following publications: (PMID: 28087566)

Fulgent Genetics
Classification: Uncertain significance for Arrhythmogenic right ventricular dysplasia 10; Dilated cardiomyopathy 1BB. Last evaluated: 2021-09-24. Review status: criteria provided, single submitter. Criteria: ACMG Guidelines, 2015. Collection method: clinical testing. Allele origin: unknown.

AiLife Diagnostics
Classification: Uncertain significance. Last evaluated: 2021-08-20. Review status: criteria provided, single submitter. Criteria: ACMG Guidelines, 2015. Collection method: clinical testing. Allele origin: germline. Affected: yes. Observed: 1 variant allele.

Literature cited by the submitters: PubMed 28087566 (cited by Women's Health and Genetics/Laboratory Corporation of America, LabCorp and Ambry Genetics); PubMed 38670870 (cited by Women's Health and Genetics/Laboratory Corporation of America, LabCorp); PubMed 19039334 (cited by Ambry Genetics).

NM_001943.5(DSG2):c.2506C>G (p.Leu836Val)

Genes: DSG2 (desmoglein 2; plus strand), DSG2-AS1 (DSG2 antisense RNA 1; minus strand). Cytogenetic location: 18q12.1.
Variant type: single nucleotide variant.
Coding change: c.2506C>G on transcript NM_001943.5 (MANE Select); coding-DNA position 2506, C replaced by G.
Protein change: p.Leu836Val; replaces leucine 836 with valine.
Molecular consequence: missense variant. On other transcripts: non-coding transcript variant (1).
Genome position (GRCh38, 1-based): chr18:31,545,892, C>G. VCF-style: chr18-31545892-C-G. GRCh37 (hg19) VCF-style: chr18-29125855-C-G.
Other names: p.Leu836Val; c.2506C>G (NM_001943.4, LRG_397t1); short protein forms L836V.
Identifiers: ClinVar variation 581285 (VCV000581285.17), dbSNP rs767979763, ClinGen allele CA046253.